The following is an entry in ClinVar:

NM_001166114.2(PNPLA6):c.4046G>A (p.Arg1349Gln)

Gene: PNPLA6 (patatin like domain 6, lysophospholipase; plus strand). Cytogenetic location: 19p13.2.
Variant type: single nucleotide variant.
Coding change: c.4046G>A on transcript NM_001166114.2 (MANE Select); coding-DNA position 4046, G replaced by A.
Protein change: p.Arg1349Gln; replaces arginine 1349 with glutamine.
Molecular consequence: missense variant.
Genome position (GRCh38, 1-based): chr19:7,561,510, G>A. VCF-style: chr19-7561510-G-A. GRCh37 (hg19) VCF-style: chr19-7626396-G-A.
Other names: c.4076G>A (NM_001166111.1); c.4076G>A, p.Arg1359Gln (NM_001166111.2); c.3851G>A, p.Arg1284Gln (NM_001166112.2); c.3932G>A, p.Arg1311Gln (NM_001166113.1, NM_006702.5); short protein forms R1284Q, R1311Q, R1349Q, R1359Q.
Identifiers: ClinVar variation 1073450 (VCV001073450.15), dbSNP rs368661376, ClinGen allele CA9140694.

ClinVar aggregate classification (germline): Conflicting classifications of pathogenicity. Review status: criteria provided, conflicting classifications (1 of 4 stars). 5 submissions from 5 submitters: Pathogenic (1); Likely pathogenic (3); Uncertain significance (1). Last evaluated 2025-05-26.

Conditions:
PNPLA6-related disorder. Also called: PNPLA6-related disorders; PNPLA6-related condition.
Trichomegaly-retina pigmentary degeneration-dwarfism syndrome (OMCS). Also called: Oliver-McFarlane Syndrome (OMCS); OLIVER-MCFARLANE SYNDROME; Eyelashes long mental retardation; Trichomegaly retina pigmentary degeneration dwarfism. Identifiers: Orphanet 3363, MedGen C1848745, MONDO:0010152, OMIM 275400.
Laurence-Moon syndrome (LNMS). Also called: PNPLA6-Related Laurence-Moon Syndrome (LMS). Identifiers: Orphanet 2377, MedGen C0023138, MONDO:0009514, OMIM 245800.
Ataxia-hypogonadism-choroidal dystrophy syndrome (BNHS). Also called: Boucher-Neuhäuser Syndrome (BNS); Chorioretinal dystrophy, spinocerebellar ataxia and hypogonadotropic hypogonadism. Identifiers: Orphanet 1180, MedGen C1859093, MONDO:0008980, OMIM 215470.
Hereditary spastic paraplegia 39 (SPG39). Also called: Spastic Paraplegia Type 39 (SPG39); SPASTIC PARAPLEGIA 39, AUTOSOMAL RECESSIVE. Identifiers: Orphanet 139480, MedGen C2677586, MONDO:0012787, OMIM 612020.
Hereditary spastic paraplegia. Also called: Familial spastic paraparesis. Identifiers: Orphanet 685, MedGen C0037773, MONDO:0019064. Disease mechanism: loss of function.

Allele frequency attached by ClinVar (database versions not stated): ExAC 0.00001; gnomAD 0.00001; gnomAD exomes 0.00001; TOPMed 0.00003; ESP Exome Variant Server 0.00023.
gnomAD v4.1: 61 of 1,608,784 alleles (0.0038%); highest among the groups gnomAD compares: Non-Finnish European, 0.0048%; no homozygotes.

Submissions (5):

First Genomix Gene Laboratory, Genetic Diagnostics Department
Classification: Likely pathogenic for Laurence-Moon syndrome; Ataxia-hypogonadism-choroidal dystrophy syndrome; Trichomegaly-retina pigmentary degeneration-dwarfism syndrome; Hereditary spastic paraplegia 39. Last evaluated: 2025-05-26. Review status: criteria provided, single submitter. Criteria: ACMG Guidelines, 2015. Collection method: clinical testing. Allele origin: germline. Inheritance: Autosomal recessive inheritance. Affected: no. Observed: 1 variant allele.

Blueprint Genetics
Classification: Likely pathogenic for PNPLA6-related disorders. Last evaluated: 2024-11-26. Review status: criteria provided, single submitter. Criteria: ACMG Guidelines, 2015. Collection method: clinical testing. Allele origin: germline. Affected: yes. Observed: 5 variant alleles.

Athena Diagnostics
Classification: Uncertain significance. Last evaluated: 2023-06-14. Review status: criteria provided, single submitter. Criteria: Athena Diagnostics Criteria. Collection method: clinical testing. Allele origin: unknown.
Comment: Available data are insufficient to determine the clinical significance of the variant at this time. The frequency of this variant in the general population is uninformative in assessment of its pathogenicity. This variant appears to be associated with disease in at least one family. At least one other missense variant at this codon is considered to be pathogenic or likely pathogenic, suggesting this variant may also cause disease. In some published literature, this variant is referred to as Arg1311Gln. Computational tools disagree on the variant's effect on normal protein function.

Labcorp Genetics (formerly Invitae), Labcorp
Classification: Pathogenic for Hereditary spastic paraplegia 39. Last evaluated: 2022-07-06. Review status: criteria provided, single submitter. Criteria: Invitae Variant Classification Sherloc (09022015). Collection method: clinical testing. Allele origin: germline.
Comment: This sequence change replaces arginine, which is basic and polar, with glutamine, which is neutral and polar, at codon 1311 of the PNPLA6 protein (p.Arg1311Gln). The frequency data for this variant in the population databases is considered unreliable, as metrics indicate poor data quality at this position in the gnomAD database. For these reasons, this variant has been classified as Pathogenic. This variant disrupts the p.Arg1311 amino acid residue in PNPLA6. Other variant(s) that disrupt this residue have been determined to be pathogenic (PMID: 25033069, 25359264). This suggests that this residue is clinically significant, and that variants that disrupt this residue are likely to be disease-causing. Algorithms developed to predict the effect of missense changes on protein structure and function (SIFT, PolyPhen-2, Align-GVGD) all suggest that this variant is likely to be tolerated. ClinVar contains an entry for this variant (Variation ID: 1073450). This missense change has been observed in individual(s) with Boucher-Neuhäuser syndrome (PMID: 27866050). In at least one individual the data is consistent with being in trans (on the opposite chromosome) from a pathogenic variant. It has also been observed to segregate with disease in related individuals.

Genome Diagnostics Laboratory, The Hospital for Sick Children
Classification: Likely pathogenic for Hereditary spastic paraplegia. Last evaluated: 2021-12-13. Review status: criteria provided, single submitter. Criteria: ACMG Guidelines, 2015. Collection method: clinical testing. Allele origin: germline. Affected: yes.

Literature cited by the submitters: PubMed 27866050 (cited by Athena Diagnostics and Labcorp Genetics (formerly Invitae), Labcorp); PubMed 34426522 (cited by Athena Diagnostics); PubMed 25033069 (cited by Labcorp Genetics (formerly Invitae), Labcorp); PubMed 25359264 (cited by Labcorp Genetics (formerly Invitae), Labcorp).